The following is an entry in ClinVar:

ClinVar aggregate classification (germline): Uncertain significance (1 of 4 stars; one submission).

Allele frequency attached by ClinVar (database versions not stated): ExAC 0.00002.

Submission:

Labcorp Genetics (formerly Invitae), Labcorp
Classification: Uncertain significance. Last evaluated: 2025-02-06. Review status: criteria provided, single submitter. Criteria: Invitae Variant Classification Sherloc (09022015). Collection method: clinical testing. Allele origin: germline.
Comment: This sequence change replaces glutamine, which is neutral and polar, with proline, which is neutral and non-polar, at codon 54 of the RAI1 protein (p.Gln54Pro). This variant is present in population databases (rs753174507, gnomAD 0.02%). This variant has not been reported in the literature in individuals affected with RAI1-related conditions. ClinVar contains an entry for this variant (Variation ID: 2096551). Invitae Evidence Modeling of protein sequence and biophysical properties (such as structural, functional, and spatial information, amino acid conservation, physicochemical variation, residue mobility, and thermodynamic stability) indicates that this missense variant is not expected to disrupt RAI1 protein function with a negative predictive value of 80%. In summary, the available evidence is currently insufficient to determine the role of this variant in disease. Therefore, it has been classified as a Variant of Uncertain Significance.

NM_030665.4(RAI1):c.161A>C (p.Gln54Pro)

Gene: RAI1 (retinoic acid induced 1; plus strand). Cytogenetic location: 17p11.2.
Variant type: single nucleotide variant.
Coding change: c.161A>C on transcript NM_030665.4 (MANE Select); coding-DNA position 161, A replaced by C.
Protein change: p.Gln54Pro; replaces glutamine 54 with proline.
Molecular consequence: missense variant.
Genome position (GRCh38, 1-based): chr17:17,793,109, A>C. VCF-style: chr17-17793109-A-C. GRCh37 (hg19) VCF-style: chr17-17696423-A-C.
Other names: short protein forms Q54P.
Identifiers: ClinVar variation 2096551 (VCV002096551.4), dbSNP rs753174507, ClinGen allele CA8418061.